The following is an entry in ClinVar:

NM_001199799.2(ILDR1):c.42C>A (p.Cys14Ter)

Gene: ILDR1 (immunoglobulin like domain containing receptor 1; minus strand). Cytogenetic location: 3q13.33.
Variant type: single nucleotide variant.
Coding change: c.42C>A on transcript NM_001199799.2 (MANE Select); coding-DNA position 42, C replaced by A.
Protein change: p.Cys14Ter; replaces cysteine 14 with a stop codon.
Molecular consequence: nonsense.
Genome position (GRCh38, 1-based): chr3:122,022,036, G>T on the plus strand (C>A on the coding strand, the complement: ILDR1 is on the minus strand). VCF-style: chr3-122022036-G-T. GRCh37 (hg19) VCF-style: chr3-121740883-G-T.
Other names: c.42C>A, p.Cys14Ter (NM_001199800.2, NM_175924.4); short protein forms C14*.
Identifiers: ClinVar variation 5018584 (VCV005018584.1).

ClinVar aggregate classification (germline): Likely pathogenic (1 of 4 stars; one submission).

Conditions:
Autosomal recessive nonsyndromic hearing loss 42. Identifiers: Orphanet 90636, MedGen C1864818, MONDO:0012326, OMIM 609646.

Submission:

Juno Genomics, Hangzhou Juno Genomics, Inc
Classification: Likely pathogenic for Autosomal recessive nonsyndromic hearing loss 42. Review status: criteria provided, single submitter. Criteria: ACMG Guidelines, 2015. Collection method: clinical testing. Allele origin: germline. Affected: yes.
Comment: Absent from controls (or at extremely low frequency if recessive) in Genome Aggregation Database.;Null variant in a gene where loss of function (LOF) is a known mechanism of disease.